The following is an entry in ClinVar:

ClinVar aggregate classification (germline): Pathogenic (1 of 4 stars; one submission).

Conditions:
Long QT syndrome (LQTS). Identifiers: MedGen C0023976, MeSH D008133, MONDO:0002442. Disease mechanism: loss of function. Inheritance: Various modes of inheritance.

Submission:

Labcorp Genetics (formerly Invitae), Labcorp
Classification: Pathogenic for Long QT syndrome. Last evaluated: 2023-11-24. Review status: criteria provided, single submitter. Criteria: Invitae Variant Classification Sherloc (09022015). Collection method: clinical testing. Allele origin: unknown.
Comment: This variant is a gross deletion of the genomic region encompassing exon(s) 12-13 of the KCNH2 gene. This deletion is out-of-frame, and is expected to create a premature termination codon and result in an absent or disrupted protein product. Loss-of-function variants in KCNH2 are known to be pathogenic (PMID: 10973849, 19862833). This variant has not been reported in the literature in individuals affected with KCNH2-related conditions. For these reasons, this variant has been classified as Pathogenic.

Literature cited by the submitters: PubMed 10973849; PubMed 19862833.

NC_000007.13:g.(?_150644396)_(150644986_?)del

Gene: KCNH2 (potassium voltage-gated channel subfamily H member 2; minus strand). Cytogenetic location: 7q36.1.
Variant type: Deletion.
Identifiers: ClinVar variation 3245698 (VCV003245698.1).